The following is an entry in ClinVar:

ClinVar aggregate classification (germline): Pathogenic/Likely pathogenic. Review status: criteria provided, multiple submitters, no conflicts (2 of 4 stars). 11 submissions from 10 submitters: Pathogenic (5); Likely pathogenic (5). 1 of the submissions does not count toward it. Last evaluated 2025-11-20.

Conditions:
Autosomal recessive PHGDH-related disorders.
PHGDH deficiency. Identifiers: Orphanet 79351, MedGen C1866174, MONDO:0011152, OMIM 601815.
Neu-Laxova syndrome 1 (NLS1). Identifiers: Orphanet 2671, Orphanet 583607, MedGen C4551478, MONDO:0009736, OMIM 256520. Disease mechanism: loss of function.

Allele frequency attached by ClinVar (database versions not stated): gnomAD exomes 0.00001; gnomAD 0.00002; TOPMed 0.00002.

Submissions (11):

Variantyx, Inc.
Classification: Pathogenic for Autosomal recessive PHGDH-related disorders. Last evaluated: 2025-11-20. Review status: criteria provided, single submitter. Criteria: Variantyx Assertion Criteria 2022. Collection method: clinical testing. Allele origin: germline. Inheritance: Autosomal recessive inheritance.
Comment: This is a nonsynonymous variant in the PHGDH gene (OMIM: 606879). Pathogenic variants in this gene have been associated with autosomal recessive PHGDH-related disorders. This variant has been identified in the homozygous or compound heterozygous state in at least 6 individuals reported in the published literature (PMID: 21113737, 28135894) (PM3_Strong) and observed to segregate with disease in at least 5 individuals from two families (PMID: 21113737, 28135894) (PP1). Functional studies have shown that this variant alters PHGDH protein function (PMID: 19235232) (PS3_Moderate) and multiple computational algorithms predict a deleterious effect for this variant (REVEL score: 0.889) (PP3). This variant has a 0.0044% maximum allele frequency in non-founder control populations (PM2). Based on the current evidence, this variant is classified as pathogenic for autosomal recessive PHGDH-related disorders.

Natera, Inc.
Classification: Likely pathogenic for Phosphoglycerate dehydrogenase deficiency. Last evaluated: 2025-10-10. Review status: criteria provided, single submitter. Criteria: Natera Variant Classification Schema (03/2026). Collection method: clinical testing. Allele origin: germline.
Comment: The c.1129G>A variant in PHGDH is a missense variant predicted to cause substitution of glycine to serine at amino acid 377. This variant is rare in the general population with a frequency below the threshold expected for the associated phenotype(s). This variant has been observed in one or more individuals affected with the associated recessive disease, as either homozygous or compound heterozygous with a second variant (PMID: 28135894, 19235232). Additionally, this variant has been observed to segregate in affected family members (PMID: 19235232). Functional studies show that this variant may disrupt protein function (PMID: 19235232). Computational prediction algorithms indicate this variant is likely to affect gene or protein function. Given the available evidence, this variant is classified as Likely Pathogenic.

Labcorp Genetics (formerly Invitae), Labcorp
Classification: Pathogenic for PHGDH deficiency. Last evaluated: 2025-10-01. Review status: criteria provided, single submitter. Criteria: Invitae Variant Classification Sherloc (09022015). Collection method: clinical testing. Allele origin: germline.
Comment: This sequence change replaces glycine, which is neutral and non-polar, with serine, which is neutral and polar, at codon 377 of the PHGDH protein (p.Gly377Ser). This variant is present in population databases (rs267606948, gnomAD 0.003%). This missense change has been observed in individual(s) with phosphoglycerate dehydrogenase deficiency (PMID: 21113737, 28135894). It has also been observed to segregate with disease in related individuals. ClinVar contains an entry for this variant (Variation ID: 3871). Invitae Evidence Modeling of protein sequence and biophysical properties (such as structural, functional, and spatial information, amino acid conservation, physicochemical variation, residue mobility, and thermodynamic stability) has been performed for this missense variant. However, the output from this modeling did not meet the statistical confidence thresholds required to predict the impact of this variant on PHGDH protein function. Experimental studies have shown that this missense change affects PHGDH function (PMID: 19235232). For these reasons, this variant has been classified as Pathogenic.

GeneDx
Classification: Likely pathogenic. Last evaluated: 2024-11-20. Review status: criteria provided, single submitter. Criteria: GeneDx Variant Classification Process June 2021. Collection method: clinical testing. Allele origin: germline. Affected: yes.
Comment: Published functional studies demonstrate reduced enzyme activity (Tabatabaie et al., 2009); In silico analysis supports that this missense variant has a deleterious effect on protein structure/function; Not observed at significant frequency in large population cohorts (gnomAD); This variant is associated with the following publications: (PMID: 19235232, 28135894, 29269105, 26960553, 21113737, 31589614, 31216405, 23564319, 32594192, 34547701)

Fulgent Genetics
Classification: Pathogenic for Neu-Laxova syndrome 1; PHGDH deficiency. Last evaluated: 2024-04-17. Review status: criteria provided, single submitter. Criteria: ACMG Guidelines, 2015. Collection method: clinical testing. Allele origin: germline.

Women's Health and Genetics/Laboratory Corporation of America, LabCorp
Classification: Pathogenic for PHGDH deficiency. Last evaluated: 2023-07-19. Review status: criteria provided, single submitter. Criteria: LabCorp Variant Classification Summary - May 2015. Collection method: clinical testing. Allele origin: germline.
Comment: Variant summary: PHGDH c.1129G>A (p.Gly377Ser) results in a non-conservative amino acid change located in the D-3-phosphoglycerate dehydrogenase, ASB domain (IPR045626) of the encoded protein sequence. Five of five in-silico tools predict a damaging effect of the variant on protein function. The variant allele was found at a frequency of 1.2e-05 in 251476 control chromosomes (gnomAD). c.1129G>A has been reported in the literature in individuals affected with Phosphoglycerate Dehydrogenase Deficiency (example: Tabatabaie_2009). These data indicate that the variant is likely to be associated with disease. At least one publication reports experimental evidence evaluating an impact on protein function. The most pronounced variant effect results in <10% of normal activity (example: Tabatabaie_2009). The following publication has been ascertained in the context of this evaluation (PMID: 21113737). Three submitters have cited clinical-significance assessments for this variant to ClinVar after 2014. All submitters classified the variant as pathogenic/likely pathogenic. Based on the evidence outlined above, the variant was classified as pathogenic.

Genome-Nilou Lab
Classification: Likely pathogenic for Neu-Laxova syndrome 1. Last evaluated: 2023-04-11. Review status: criteria provided, single submitter. Criteria: ACMG Guidelines, 2015. Collection method: clinical testing. Allele origin: germline. Affected: no.

Genome-Nilou Lab
Classification: Likely pathogenic for PHGDH deficiency. Last evaluated: 2023-04-11. Review status: criteria provided, single submitter. Criteria: ACMG Guidelines, 2015. Collection method: clinical testing. Allele origin: germline. Affected: no.

Department of Pathology and Laboratory Medicine, Sinai Health System
Classification: Likely pathogenic for Neu-Laxova syndrome 1; PHGDH deficiency. Last evaluated: 2022-11-09. Review status: criteria provided, single submitter. Criteria: ACMG Guidelines, 2015. Collection method: research. Allele origin: germline.

Baylor Genetics
Classification: Pathogenic for Neu-Laxova syndrome 1; PHGDH deficiency. Last evaluated: 2017-12-31. Review status: criteria provided, single submitter. Criteria: ACMG Guidelines, 2015. Collection method: clinical testing. Allele origin: germline. Affected: yes.

OMIM
Classification: Pathogenic for PHOSPHOGLYCERATE DEHYDROGENASE DEFICIENCY. Last evaluated: 2009-05-01. Review status: no assertion criteria provided. Collection method: literature only. Allele origin: germline. Not counted in ClinVar's aggregate classification.

Literature cited by the submitters: PubMed 19235232 (cited by 5 submitters); PubMed 21113737 (cited by 3 submitters); PubMed 28135894 (cited by 4 submitters).

NM_006623.4(PHGDH):c.1129G>A (p.Gly377Ser)

Gene: PHGDH (phosphoglycerate dehydrogenase; plus strand). Cytogenetic location: 1p12.
Variant type: single nucleotide variant.
Coding change: c.1129G>A on transcript NM_006623.4 (MANE Select); coding-DNA position 1129, G replaced by A.
Protein change: p.Gly377Ser; replaces glycine 377 with serine.
Molecular consequence: missense variant.
Genome position (GRCh38, 1-based): chr1:119,741,817, G>A. VCF-style: chr1-119741817-G-A. GRCh37 (hg19) VCF-style: chr1-120284440-G-A.
Other names: short protein forms G377S.
Identifiers: ClinVar variation 3871 (VCV000003871.19), dbSNP rs267606948, ClinGen allele CA116479.